The following is an entry in ClinVar:

ClinVar aggregate classification (germline): Benign (1 of 4 stars; one submission).

gnomAD v4.1: 1,466 of 1,612,974 alleles (0.091%); highest among the groups gnomAD compares: South Asian, 1.1%; 23 homozygotes.

Submission:

CeGaT Center for Human Genetics Tuebingen
Classification: Benign. Last evaluated: 2026-08-01. Review status: criteria provided, single submitter. Criteria: CeGaT Center For Human Genetics Tuebingen Variant Classification Criteria Version 2. Collection method: clinical testing. Allele origin: germline. Affected: yes. Observed: 3 variant alleles.
Comment: INTS11: BP4, BP7, BS1, BS2

NM_017871.6(INTS11):c.1023C>T (p.Ala341=)

Gene: INTS11 (integrator complex subunit 11; minus strand). Cytogenetic location: 1p36.33.
Variant type: single nucleotide variant.
Coding change: c.1023C>T on transcript NM_017871.6 (MANE Select); coding-DNA position 1023, C replaced by T.
Protein change: p.Ala341=; no amino-acid change (alanine 341 retained).
Molecular consequence: synonymous variant.
Genome position (GRCh38, 1-based): chr1:1,313,527, G>A on the plus strand (C>T on the coding strand, the complement: INTS11 is on the minus strand). VCF-style: chr1-1313527-G-A. GRCh37 (hg19) VCF-style: chr1-1248907-G-A.
Other names: c.1041C>T, p.Ala347= (NM_001256456.2); c.936C>T, p.Ala312= (NM_001256460.2); c.729C>T, p.Ala243= (NM_001256462.2); c.720C>T, p.Ala240= (NM_001256463.2).
Identifiers: ClinVar variation 3777836 (VCV003777836.7).
Genomic context (GRCh38, chr1:1,313,527, plus strand): 5'-GGCCTCCAGCTTCCAGATTCCCACACCTCACCATGCCCTCACCATGTTCTTTTCGTTTCC[G>A]GCCCATTTCCGGAAGATCTGCAGGGACTGCCCAGCGTGCAGCATTCCTGGCGTGGCAAAC-3'
Protein context (NP_060341.2, residues 331-351): GQSLQIFRKW[Ala341=]GNEKNMVIMP